The following is an entry in ClinVar:

NR_001566.3(TERC):n.291T>C

Genes: TERC (telomerase RNA component; minus strand), LOC110806306 (telomerase RNA component (TERC) promoter; plus strand). Cytogenetic location: 3q26.2.
Variant type: single nucleotide variant.
Molecular consequence: non-coding transcript variant (on NR_001566.3).
Genome position: GRCh38 VCF-style: chr3-169764770-A-G. GRCh37 (hg19) VCF-style: chr3-169482558-A-G.
Identifiers: ClinVar variation 4734304 (VCV004734304.1).

ClinVar aggregate classification (germline): Uncertain significance (1 of 4 stars; one submission).

Conditions:
Dyskeratosis congenita, autosomal dominant 1 (DKCA1). Also called: Dyskeratosis congenita Scoggins type. Identifiers: Orphanet 1775, MedGen C4551974, MONDO:0007485, OMIM 127550. Inheritance: Variable.

Submission:

Labcorp Genetics (formerly Invitae), Labcorp
Classification: Uncertain significance for Dyskeratosis congenita, autosomal dominant 1. Last evaluated: 2025-12-28. Review status: criteria provided, single submitter. Criteria: Invitae Variant Classification Sherloc (09022015). Collection method: clinical testing. Allele origin: germline.
Comment: This variant occurs in the TERC gene, which encodes an RNA molecule that does not result in a protein product. This variant is not present in population databases (gnomAD no frequency). This variant has not been reported in the literature in individuals affected with TERC-related conditions. This variant is located within the conserved regions 4 and 5 (CR4-CR5) domain of the TERC RNA component, which is required for telomerase activity (PMID: 15082312, 21844345). In summary, the available evidence is currently insufficient to determine the role of this variant in disease. Therefore, it has been classified as a Variant of Uncertain Significance.

Literature cited by the submitters: PubMed 15082312; PubMed 21844345.